The following is an entry in ClinVar:

NM_005733.3(KIF20A):c.726G>C (p.Lys242Asn)

Gene: KIF20A (kinesin family member 20A; plus strand). Cytogenetic location: 5q31.2.
Variant type: single nucleotide variant.
Coding change: c.726G>C on transcript NM_005733.3 (MANE Select); coding-DNA position 726, G replaced by C.
Protein change: p.Lys242Asn; replaces lysine 242 with asparagine.
Molecular consequence: missense variant.
Genome position (GRCh38, 1-based): chr5:138,182,884, G>C. VCF-style: chr5-138182884-G-C. GRCh37 (hg19) VCF-style: chr5-137518573-G-C.
Other names: short protein forms K242N.
Identifiers: ClinVar variation 1900492 (VCV001900492.5), dbSNP rs768806257, ClinGen allele CA3426387.
Genomic context (GRCh38, chr5:138,182,884, plus strand): 5'-GAAGTTTTGTGCTTACCTTCTCCCTGTGCCCCTCCAGGAGGAGCTGTCCACTTCCTTGAA[G>C]AGGAGTGTCTACATCGAAAGTCGGATAGGTACCAGCACCAGCTTCGACAGTGGCATTGCT-3'
Protein context (NP_005724.1, residues 232-252): LQEEELSTSL[Lys242Asn]RSVYIESRIG

ClinVar aggregate classification (germline): Uncertain significance (1 of 4 stars; one submission).

Allele frequency attached by ClinVar (database versions not stated): gnomAD 0.00001; gnomAD exomes 0.00001; TOPMed 0.00001; ExAC 0.00004.
gnomAD v4.1: 16 of 1,614,110 alleles (0.00099%); highest among the groups gnomAD compares: Admixed American, 0.0033%; no homozygotes.

Submission:

Labcorp Genetics (formerly Invitae), Labcorp
Classification: Uncertain significance. Last evaluated: 2022-03-11. Review status: criteria provided, single submitter. Criteria: Invitae Variant Classification Sherloc (09022015). Collection method: clinical testing. Allele origin: germline.
Comment: In summary, the available evidence is currently insufficient to determine the role of this variant in disease. Therefore, it has been classified as a Variant of Uncertain Significance. Algorithms developed to predict the effect of sequence changes on RNA splicing suggest that this variant may create or strengthen a splice site. Algorithms developed to predict the effect of missense changes on protein structure and function are either unavailable or do not agree on the potential impact of this missense change (SIFT: "Deleterious"; PolyPhen-2: "Benign"; Align-GVGD: "Class C65"). This variant has not been reported in the literature in individuals affected with KIF20A-related conditions. This variant is present in population databases (rs768806257, gnomAD 0.006%). This sequence change replaces lysine, which is basic and polar, with asparagine, which is neutral and polar, at codon 242 of the KIF20A protein (p.Lys242Asn).